The following is an entry in ClinVar:

NM_000081.4(LYST):c.672C>T (p.Ser224=)

Gene: LYST (lysosomal trafficking regulator; minus strand). Cytogenetic location: 1q42.3.
Variant type: single nucleotide variant.
Coding change: c.672C>T on transcript NM_000081.4 (MANE Select); coding-DNA position 672, C replaced by T.
Protein change: p.Ser224=; no amino-acid change (serine 224 retained).
Molecular consequence: synonymous variant.
Genome position (GRCh38, 1-based): chr1:235,810,146, G>A on the plus strand (C>T on the coding strand, the complement: LYST is on the minus strand). VCF-style: chr1-235810146-G-A. GRCh37 (hg19) VCF-style: chr1-235973446-G-A.
Other names: c.672C>T, p.Ser224= (NM_001301365.1).
Identifiers: ClinVar variation 3350144 (VCV003350144.1).

ClinVar aggregate classification (germline): Likely benign (0 of 4 stars; one submission).

Conditions:
LYST-related disorder. Also called: LYST-related condition.

gnomAD v4.1: 6 of 1,614,118 alleles (0.00037%); highest among the groups gnomAD compares: Non-Finnish European, 0.00051%; no homozygotes.

Submission:

PreventionGenetics, part of Exact Sciences
Classification: Likely benign for LYST-related condition. Last evaluated: 2024-03-06. Review status: no assertion criteria provided. Collection method: clinical testing. Allele origin: germline.
Comment: This variant is classified as likely benign based on ACMG/AMP sequence variant interpretation guidelines (Richards et al. 2015 PMID: 25741868, with internal and published modifications).